The following is an entry in ClinVar:

NM_001267550.2(TTN):c.7498C>T (p.Gln2500Ter)

Gene: TTN (titin; minus strand). Cytogenetic location: 2q31.2.
Variant type: single nucleotide variant.
Coding change: c.7498C>T on transcript NM_001267550.2 (MANE Select); coding-DNA position 7498, C replaced by T.
Protein change: p.Gln2500Ter; replaces glutamine 2500 with a stop codon.
Molecular consequence: nonsense.
Genome position (GRCh38, 1-based): chr2:178,773,558, G>A on the plus strand (C>T on the coding strand, the complement: TTN is on the minus strand). VCF-style: chr2-178773558-G-A. GRCh37 (hg19) VCF-style: chr2-179638285-G-A.
Other names: c.7498C>T, p.Gln2500Ter (NM_001256850.1, NM_133378.4, NM_133379.5); c.7360C>T, p.Gln2454Ter (NM_003319.4, NM_133432.3, NM_133437.4); short protein forms Q2500*, Q2454*.
Identifiers: ClinVar variation 579882 (VCV000579882.14), dbSNP rs1561253718, ClinGen allele CA349680106.

ClinVar aggregate classification (germline): Conflicting classifications of pathogenicity. Review status: criteria provided, conflicting classifications (1 of 4 stars). 4 submissions from 4 submitters: Likely pathogenic (3); Uncertain significance (1). Last evaluated 2025-12-17.

Conditions:
TTN-related disorder. Also called: TTN-related condition; TTN-related disease; TTN-related disorders.
Autosomal recessive limb-girdle muscular dystrophy type 2J (LGMDR10). Also called: Limb-girdle muscular dystrophy, type 2J; MUSCULAR DYSTROPHY, LIMB-GIRDLE, AUTOSOMAL RECESSIVE 10. Identifiers: Orphanet 140922, MedGen C1837342, MONDO:0012127, OMIM 608807.
Dilated cardiomyopathy 1G (CMD1G). Identifiers: Orphanet 154, MedGen C1858763, MONDO:0011400, OMIM 604145.
Cardiovascular phenotype. Identifiers: MedGen CN230736.
Myopathy, myofibrillar, 9, with early respiratory failure (MFM9). Also called: EDSTROM MYOPATHY; Hereditary myopathy with early respiratory failure; Myopathy, distal, with early respiratory failure, autosomal dominant; MYOPATHY, PROXIMAL, WITH EARLY RESPIRATORY MUSCLE INVOLVEMENT. Identifiers: Orphanet 178464, Orphanet 34521, MedGen C1863599, MONDO:0011362, OMIM 603689.
Tibial muscular dystrophy (TMD). Also called: Udd Distal Myopathy – Tibial Muscular Dystrophy; Tibial muscular dystrophy, tardive; UDD MYOPATHY. Identifiers: Orphanet 609, MedGen C1838244, MONDO:0010870, OMIM 600334.
Hypertrophic cardiomyopathy 9. Also called: Familial hypertrophic cardiomyopathy 9. Identifiers: MedGen C1861065, MONDO:0013412, OMIM 613765.
Early-onset myopathy with fatal cardiomyopathy (CMYO5). Also called: CONGENITAL MYOPATHY 5 WITH CARDIOMYOPATHY; Salih Myopathy. Identifiers: Orphanet 289377, MedGen C2673677, MONDO:0012714, OMIM 611705. Disease mechanism: loss of function.

Allele frequency attached by ClinVar (database versions not stated): gnomAD exomes 0.00001.
gnomAD v4.1: 11 of 1,614,022 alleles (0.00068%); highest among the groups gnomAD compares: Non-Finnish European, 0.00076%; no homozygotes.

Submissions (4):

Labcorp Genetics (formerly Invitae), Labcorp
Classification: Likely pathogenic for Dilated cardiomyopathy 1G; Autosomal recessive limb-girdle muscular dystrophy type 2J. Last evaluated: 2025-12-17. Review status: criteria provided, single submitter. Criteria: Invitae Variant Classification Sherloc (09022015). Collection method: clinical testing. Allele origin: germline.
Comment: This sequence change creates a premature translational stop signal (p.Gln2500*) in the TTN gene. While this is not anticipated to result in nonsense mediated decay, it is expected to create a truncated TTN protein. This variant is not present in population databases (gnomAD no frequency). This variant has not been reported in the literature in individuals affected with TTN-related conditions. ClinVar contains an entry for this variant (Variation ID: 579882). Algorithms developed to predict the effect of sequence changes on RNA splicing suggest that this variant may disrupt the consensus splice site. This variant is located in the I band of TTN (PMID: 25589632). Truncating variants in this region have been reported in individuals affected with autosomal recessive centronuclear myopathy (PMID: 23975875, internal data). Truncating variants in this region have also been identified in individuals affected with autosomal dominant dilated cardiomyopathy and/or cardio-related conditions (PMID: 27869827, 32964742, internal data). In summary, the currently available evidence indicates that the variant is pathogenic, but additional data are needed to prove that conclusively. Therefore, this variant has been classified as Likely Pathogenic.

Ambry Genetics
Classification: Likely pathogenic for Cardiovascular phenotype. Last evaluated: 2025-06-13. Review status: criteria provided, single submitter. Criteria: Ambry Variant Classification Scheme 2023. Collection method: clinical testing. Allele origin: germline.
Comment: The p.Q2454* variant (also known as c.7360C>T), located in coding exon 30 of the TTN gene, results from a C to T substitution at nucleotide position 7360. This changes the amino acid from a glutamine to a stop codon within coding exon 30. This exon is located in the I-band region of the N2-B isoform of the titin protein and is constitutively expressed in TTN transcripts (percent spliced in or PSI 100%). This variant is considered to be rare based on population cohorts in the Genome Aggregation Database (gnomAD). This variant is expected to result in loss of function by premature protein truncation or nonsense-mediated mRNA decay. While truncating variants in TTN are present in 1-3% of the general population, truncating variants in the A-band are the most common cause of dilated cardiomyopathy (Herman DS et al. N. Engl. J. Med., 2012 Feb;366:619-28; Roberts AM et al. Sci Transl Med, 2015 Jan;7:270ra6). TTN truncating variants encoded in constitutive exons (PSI >90%) have been found to be significantly associated with DCM regardless of their position in titin (Schafer S et al. Nat. Genet., 2017 01;49:46-53; Akhtar MM et al. Circ Heart Fail, 2020 Oct;13:e006832; Massier M et al. Clin Genet, 2025 Jan). As such, this alteration is classified as likely pathogenic.

Fulgent Genetics
Classification: Uncertain significance for Tibial muscular dystrophy; Myopathy, myofibrillar, 9, with early respiratory failure; Dilated cardiomyopathy 1G; Autosomal recessive limb-girdle muscular dystrophy type 2J; Early-onset myopathy with fatal cardiomyopathy; Hypertrophic cardiomyopathy 9. Last evaluated: 2021-10-27. Review status: criteria provided, single submitter. Criteria: ACMG Guidelines, 2015. Collection method: clinical testing. Allele origin: unknown.

Blueprint Genetics
Classification: Likely pathogenic for TTN-related disorders. Last evaluated: 2021-08-20. Review status: criteria provided, single submitter. Criteria: ACMG Guidelines, 2015. Collection method: clinical testing. Allele origin: germline. Affected: yes. Observed: 1 variant allele.

Literature cited by the submitters: PubMed 25589632 (cited by Labcorp Genetics (formerly Invitae), Labcorp); PubMed 23975875 (cited by Labcorp Genetics (formerly Invitae), Labcorp); PubMed 27869827 (cited by Labcorp Genetics (formerly Invitae), Labcorp); PubMed 32964742 (cited by Labcorp Genetics (formerly Invitae), Labcorp).